The following is an entry in ClinVar:

ClinVar aggregate classification (germline): Uncertain significance (1 of 4 stars; one submission).

gnomAD v4.1: 1 of 1,614,220 alleles (0.000062%); highest among the groups gnomAD compares: African/African-American, 0.0013%; no homozygotes.

Submission:

Ambry Genetics
Classification: Uncertain significance. Last evaluated: 2023-03-26. Review status: criteria provided, single submitter. Criteria: Ambry Variant Classification Scheme 2023. Collection method: clinical testing. Allele origin: germline.
Comment: The p.D162E variant (also known as c.486C>G), located in coding exon 3 of the ALPK2 gene, results from a C to G substitution at nucleotide position 486. The aspartic acid at codon 162 is replaced by glutamic acid, an amino acid with highly similar properties. This amino acid position is conserved. In addition, this alteration is predicted to be tolerated by in silico analysis. Since supporting evidence is limited at this time, the clinical significance of this alteration remains unclear.

NM_052947.4(ALPK2):c.486C>G (p.Asp162Glu)

Gene: ALPK2 (alpha kinase 2; minus strand). Cytogenetic location: 18q21.31.
Variant type: single nucleotide variant.
Coding change: c.486C>G on transcript NM_052947.4 (MANE Select); coding-DNA position 486, C replaced by G.
Protein change: p.Asp162Glu; replaces aspartic acid 162 with glutamic acid.
Molecular consequence: missense variant.
Genome position (GRCh38, 1-based): chr18:58,580,290, G>C on the plus strand (C>G on the coding strand, the complement: ALPK2 is on the minus strand). VCF-style: chr18-58580290-G-C. GRCh37 (hg19) VCF-style: chr18-56247522-G-C.
Other names: short protein forms D162E.
Identifiers: ClinVar variation 2560588 (VCV002560588.2), dbSNP rs1040926855, ClinGen allele CA402567867.